The following is an entry in ClinVar:

NM_000245.4(MET):c.73G>C (p.Glu25Gln)

Gene: MET (MET proto-oncogene, receptor tyrosine kinase; plus strand). Cytogenetic location: 7q31.2.
Variant type: single nucleotide variant.
Coding change: c.73G>C on transcript NM_000245.4 (MANE Select); coding-DNA position 73, G replaced by C.
Protein change: p.Glu25Gln; replaces glutamic acid 25 with glutamine.
Molecular consequence: missense variant. On other transcripts: intron variant (1).
Genome position (GRCh38, 1-based): chr7:116,699,157, G>C. VCF-style: chr7-116699157-G-C. GRCh37 (hg19) VCF-style: chr7-116339211-G-C.
Other names: c.73G>C, p.Glu25Gln (NM_001127500.3, NM_001324401.3); c.-91+26580G>C (NM_001324402.2); short protein forms E25Q.
Identifiers: ClinVar variation 5024409 (VCV005024409.1).

ClinVar aggregate classification (germline): Uncertain significance (1 of 4 stars; one submission).

Conditions:
Hereditary cancer-predisposing syndrome. Also called: Neoplastic Syndromes, Hereditary; Tumor predisposition; Hereditary neoplastic syndrome; Hereditary Cancer Syndrome. Identifiers: Orphanet 140162, MedGen C0027672, MeSH D009386, MONDO:0015356.

Submission:

Ambry Genetics
Classification: Uncertain significance for Hereditary cancer-predisposing syndrome. Last evaluated: 2026-07-21. Review status: criteria provided, single submitter. Criteria: Ambry Variant Classification Scheme 2023. Collection method: clinical testing. Allele origin: germline.
Comment: The p.E25Q variant (also known as c.73G>C), located in coding exon 1 of the MET gene, results from a G to C substitution at nucleotide position 73. The glutamic acid at codon 25 is replaced by glutamine, an amino acid with highly similar properties. This amino acid position is conserved. In addition, this alteration is predicted to be tolerated by in silico analysis. Based on the available evidence, the clinical significance of this variant remains unclear.